The following is an entry in ClinVar:

NM_000262.3(NAGA):c.639dup (p.Asn214Ter)

Gene: NAGA (alpha-N-acetylgalactosaminidase; minus strand). Cytogenetic location: 22q13.2.
Variant type: Duplication.
Coding change: c.639dup on transcript NM_000262.3 (MANE Select); coding-DNA position 639, one base duplicated (T; older notation c.639dupT).
Protein change: p.Asn214Ter; replaces asparagine 214 with a stop codon.
Molecular consequence: nonsense.
Genome position (GRCh38, 1-based): chr22:42,065,858, A duplicated on the plus strand (T on the coding strand, the reverse complement: NAGA is on the minus strand). VCF-style (leftmost placement, unchanged base first): chr22-42065857-T-TA. GRCh37 (hg19) VCF-style: chr22-42461861-T-TA.
Other names: c.639dup, p.Asn214Ter (NM_001362848.1, NM_001362850.1); short protein forms N214*.
Identifiers: ClinVar variation 2850966 (VCV002850966.3), dbSNP rs2519061488, ClinGen allele CA2739268004.

ClinVar aggregate classification (germline): Pathogenic (1 of 4 stars; one submission).

Conditions:
Alpha-N-acetylgalactosaminidase deficiency type 1. Also called: SCHINDLER DISEASE, TYPE I; ALPHA-N-ACETYLGALACTOSAMINIDASE DEFICIENCY, TYPE I; NAGA DEFICIENCY, TYPE I; NEUROAXONAL DYSTROPHY, SCHINDLER TYPE. Identifiers: Orphanet 3137, Orphanet 79279, Orphanet 79281, MedGen C1836544, MONDO:0012221, OMIM 609241.

Submission:

Labcorp Genetics (formerly Invitae), Labcorp
Classification: Pathogenic for Alpha-N-acetylgalactosaminidase deficiency type 1. Last evaluated: 2024-02-17. Review status: criteria provided, single submitter. Criteria: Invitae Variant Classification Sherloc (09022015). Collection method: clinical testing. Allele origin: germline.
Comment: This sequence change creates a premature translational stop signal (p.Asn214*) in the NAGA gene. It is expected to result in an absent or disrupted protein product. Loss-of-function variants in NAGA are known to be pathogenic (PMID: 8782044, 11251574). This variant is not present in population databases (gnomAD no frequency). This variant has not been reported in the literature in individuals affected with NAGA-related conditions. For these reasons, this variant has been classified as Pathogenic.

Literature cited by the submitters: PubMed 8782044; PubMed 11251574.